The following is an entry in ClinVar:

NM_001287491.2(TET3):c.4979A>T (p.His1660Leu)

Gene: TET3 (tet methylcytosine dioxygenase 3; plus strand). Cytogenetic location: 2p13.1.
Variant type: single nucleotide variant.
Coding change: c.4979A>T on transcript NM_001287491.2 (MANE Select); coding-DNA position 4979, A replaced by T.
Protein change: p.His1660Leu; replaces histidine 1660 with leucine.
Molecular consequence: missense variant.
Genome position (GRCh38, 1-based): chr2:74,101,767, A>T. VCF-style: chr2-74101767-A-T. GRCh37 (hg19) VCF-style: chr2-74328894-A-T.
Other names: c.4700A>T, p.His1567Leu (NM_001366022.1); short protein forms H1660L, H1567L.
Identifiers: ClinVar variation 5009028 (VCV005009028.1).

ClinVar aggregate classification (germline): Uncertain significance (1 of 4 stars; one submission).

Submission:

GeneDx
Classification: Uncertain significance. Last evaluated: 2026-03-11. Review status: criteria provided, single submitter. Criteria: GeneDx Variant Classification Process June 2021. Collection method: clinical testing. Allele origin: germline.
Comment: Not observed at significant frequency in large population cohorts (gnomAD); In silico analysis supports that this missense variant has a deleterious effect on protein structure/function; Has not been previously published as pathogenic or benign to our knowledge